The following is an entry in ClinVar:

ClinVar aggregate classification (germline): Uncertain significance (1 of 4 stars; one submission).

Conditions:
Cardiovascular phenotype. Identifiers: MedGen CN230736.

Allele frequency attached by ClinVar (database versions not stated): gnomAD exomes below 0.00001; TOPMed below 0.00001.
gnomAD v4.1: 2 of 1,614,102 alleles (0.00012%); highest among the groups gnomAD compares: Non-Finnish European, 0.00017%; no homozygotes.

Submission:

Ambry Genetics
Classification: Uncertain significance for Cardiovascular phenotype. Last evaluated: 2021-12-16. Review status: criteria provided, single submitter. Criteria: Ambry Variant Classification Scheme 2023. Collection method: clinical testing. Allele origin: germline.
Comment: The p.W920S variant (also known as c.2759G>C), located in coding exon 20 of the LAMA4 gene, results from a G to C substitution at nucleotide position 2759. The tryptophan at codon 920 is replaced by serine, an amino acid with highly dissimilar properties. This amino acid position is conserved. In addition, the in silico prediction for this alteration is inconclusive. Since supporting evidence is limited at this time, the clinical significance of this alteration remains unclear.

NM_001105206.3(LAMA4):c.2780G>C (p.Trp927Ser)

Genes: LAMA4 (laminin subunit alpha 4; minus strand), LOC126859766 (MED14-independent group 3 enhancer GRCh37_chr6:112462018-112463217; plus strand). Cytogenetic location: 6q21.
Variant type: single nucleotide variant.
Coding change: c.2780G>C on transcript NM_001105206.3 (MANE Select); coding-DNA position 2780, G replaced by C.
Protein change: p.Trp927Ser; replaces tryptophan 927 with serine.
Molecular consequence: missense variant.
Genome position (GRCh38, 1-based): chr6:112,141,391, C>G on the plus strand (G>C on the coding strand, the complement: LAMA4 is on the minus strand). VCF-style: chr6-112141391-C-G. GRCh37 (hg19) VCF-style: chr6-112462593-C-G.
Other names: c.2759G>C, p.Trp920Ser (NM_001105207.3, NM_002290.5); short protein forms W927S, W920S.
Identifiers: ClinVar variation 1795642 (VCV001795642.2), dbSNP rs1779684261, ClinGen allele CA365380133.